The following is an entry in ClinVar:

ClinVar aggregate classification (germline): Benign/Likely benign. Review status: criteria provided, multiple submitters, no conflicts (2 of 4 stars). 3 submissions from 3 submitters: Benign (1); Likely benign (2). Last evaluated 2025-08-20.

Conditions:
Hereditary cancer-predisposing syndrome. Also called: Tumor predisposition; Neoplastic Syndromes, Hereditary; Hereditary Cancer Syndrome; Hereditary neoplastic syndrome. Identifiers: Orphanet 140162, MedGen C0027672, MeSH D009386, MONDO:0015356.
POLD1-related polyposis and colorectal cancer syndrome (CRCS10). Also called: Colorectal cancer 10; COLORECTAL CANCER, SUSCEPTIBILITY TO, ON CHROMOSOME 19q; Colorectal cancer, susceptibility to, 10. Identifiers: Orphanet 220460, MedGen C2675481, MONDO:0012953, OMIM 612591.

Allele frequency attached by ClinVar (database versions not stated): gnomAD exomes below 0.00001.
gnomAD v4.1: 2 of 1,613,640 alleles (0.00012%); highest among the groups gnomAD compares: South Asian, 0.0011%; no homozygotes.

Submissions (3):

Labcorp Genetics (formerly Invitae), Labcorp
Classification: Likely benign for POLD1-related polyposis and colorectal cancer syndrome. Last evaluated: 2025-08-20. Review status: criteria provided, single submitter. Criteria: Invitae Variant Classification Sherloc (09022015). Collection method: clinical testing. Allele origin: germline.

Myriad Genetics, Inc.
Classification: Benign for POLD1-related polyposis and colorectal cancer syndrome. Last evaluated: 2025-02-07. Review status: criteria provided, single submitter. Criteria: Myriad Autosomal Dominant, Autosomal Recessive and X-Linked Classification Criteria (2023). Collection method: clinical testing. Allele origin: unknown.
Comment: This variant is considered benign. This variant is a silent/synonymous amino acid change and it is not expected to impact splicing.

Ambry Genetics
Classification: Likely benign for Hereditary cancer-predisposing syndrome. Last evaluated: 2020-12-01. Review status: criteria provided, single submitter. Criteria: Ambry Variant Classification Scheme 2023. Collection method: clinical testing. Allele origin: germline.

NM_002691.4(POLD1):c.1614C>T (p.Val538=)

Gene: POLD1 (DNA polymerase delta 1, catalytic subunit; plus strand). Cytogenetic location: 19q13.33.
Variant type: single nucleotide variant.
Coding change: c.1614C>T on transcript NM_002691.4 (MANE Select); coding-DNA position 1614, C replaced by T.
Protein change: p.Val538=; no amino-acid change (valine 538 retained).
Molecular consequence: synonymous variant. On other transcripts: non-coding transcript variant (1).
Genome position (GRCh38, 1-based): chr19:50,407,102, C>T. VCF-style: chr19-50407102-C-T. GRCh37 (hg19) VCF-style: chr19-50910359-C-T.
Other names: c.1614C>T, p.Val538= (NM_001256849.1, NM_001308632.1).
Identifiers: ClinVar variation 537134 (VCV000537134.15), dbSNP rs1555791419, ClinGen allele CA508184037.